The following is an entry in ClinVar:

ClinVar aggregate classification (germline): Uncertain significance (1 of 4 stars; one submission).

Conditions:
Hatipoglu immunodeficiency syndrome (HATIS). Also called: IMMUNODEFICIENCY 111. Identifiers: MedGen C5830439, MONDO:0957229, OMIM 620331.

gnomAD v4.1: 26 of 1,613,222 alleles (0.0016%); highest among the groups gnomAD compares: South Asian, 0.013%; no homozygotes.

Submission:

St. Jude Molecular Pathology, St. Jude Children's Research Hospital
Classification: Uncertain significance for Hatipoglu immunodeficiency syndrome. Last evaluated: 2024-09-19. Review status: criteria provided, single submitter. Criteria: St. Jude Assertion Criteria 2020. Collection method: clinical testing. Allele origin: germline.
Comment: The DPP9 c.1934G>A (p.Arg645His) change has a maximum subpopulation frequency of 0.013% in gnomAD v2.1.1. The in silico tool REVEL predicts a benign effect on protein function, and to our knowledge, functional studies have not been performed. To our knowledge, this variant has not been reported in individuals with Hatipaglu immunodeficiency syndrome. In summary, the evidence currently available is insufficient to determine the clinical significance of this variant. It has therefore been classified as of uncertain significance.

NM_139159.5(DPP9):c.1934G>A (p.Arg645His)

Genes: DPP9 (dipeptidyl peptidase 9; minus strand), DPP9-AS1 (DPP9 antisense RNA 1; plus strand). Cytogenetic location: 19p13.3.
Variant type: single nucleotide variant.
Coding change: c.1934G>A on transcript NM_139159.5 (MANE Select); coding-DNA position 1934, G replaced by A.
Protein change: p.Arg645His; replaces arginine 645 with histidine.
Molecular consequence: missense variant. On other transcripts: non-coding transcript variant (10).
Genome position (GRCh38, 1-based): chr19:4,685,723, C>T on the plus strand (G>A on the coding strand, the complement: DPP9 is on the minus strand). VCF-style: chr19-4685723-C-T. GRCh37 (hg19) VCF-style: chr19-4685735-C-T.
Other names: c.1934G>A, p.Arg645His (NM_001384611.1, NM_001384612.1, NM_001384613.1 and 7 more transcripts); c.1907G>A, p.Arg636His (NM_001384618.1); c.1901G>A, p.Arg634His (NM_001384619.1); c.1895G>A, p.Arg632His (NM_001384620.1, NM_001384621.1); c.1847G>A, p.Arg616His (NM_001384623.1, NM_001384624.1, NM_001384625.1 and 2 more transcripts); c.1694G>A, p.Arg565His (NM_001384631.1); short protein forms R565H, R616H, R632H, R634H, R636H, R645H.
Identifiers: ClinVar variation 3602645 (VCV003602645.1).
Genomic context (GRCh38, chr19:4,685,723, plus strand): 5'-TTCTTCCCTGGCTGCAAGGCGTGGGGCTTGTAGATCATGCCGTAGAGCCGCACATCCGAG[C>T]GCGTGTGGAAATGGAAGATCTCTGGAGGAACATAATCCGGGGGGCAGCCTGCGGGAGACA-3'
Protein context (NP_631898.3, residues 635-655): VPPEIFHFHT[Arg645His]SDVRLYGMIY